The following is an entry in ClinVar:

ClinVar aggregate classification (germline): Conflicting classifications of pathogenicity. Review status: criteria provided, conflicting classifications (1 of 4 stars). 3 submissions from 3 submitters: Uncertain significance (1); Likely benign (2). Last evaluated 2026-03-06.

Conditions:
Atrial standstill 1 (ATRST1). Also called: ATRIAL CARDIOMYOPATHY WITH HEART BLOCK; CARDIOMYOPATHY, FAMILIAL, WITH CONDUCTION DISTURBANCE; Atrial standstill, digenic (GJA5/SCN5A). Identifiers: Orphanet 1344, MedGen C4551959, MONDO:0007171, OMIM 108770.
Atrial fibrillation, familial, 11 (ATFB11). Identifiers: MedGen C3279693, MONDO:0013544, OMIM 614049.

Allele frequency attached by ClinVar (database versions not stated): TOPMed 0.00007; gnomAD 0.00011; gnomAD exomes 0.00011.
gnomAD v4.1: 174 of 1,613,970 alleles (0.011%); highest among the groups gnomAD compares: Admixed American, 0.015%; no homozygotes.

Submissions (3):

Women's Health and Genetics/Laboratory Corporation of America, LabCorp
Classification: Likely benign. Last evaluated: 2026-03-06. Review status: criteria provided, single submitter. Criteria: LabCorp Variant Classification Summary - May 2015. Collection method: clinical testing. Allele origin: germline.
Comment: Variant summary: GJA5 c.973A>C (p.Asn325His) results in a conservative amino acid change in the encoded protein sequence. Algorithms developed to predict the effect of missense changes on protein structure and function all suggest that this variant is likely to be tolerated. The variant allele was found at a frequency of 6e-05 in 251436 control chromosomes, predominantly at a frequency of 9.7e-05 within the Non-Finnish European subpopulation in the gnomAD database. The observed variant frequency within Non-Finnish European control individuals in the gnomAD database exceeds the estimated maximal expected allele frequency for disease-causing variants in GJA5. To our knowledge, no occurrence of c.973A>C in individuals affected with GJA5-related conditions and no experimental evidence demonstrating its impact on protein function have been reported. ClinVar contains an entry for this variant (Variation ID: 577662). Based on the evidence outlined above, the variant was classified as likely benign.

Labcorp Genetics (formerly Invitae), Labcorp
Classification: Likely benign for Atrial fibrillation, familial, 11; Atrial standstill 1. Last evaluated: 2025-03-07. Review status: criteria provided, single submitter. Criteria: Invitae Variant Classification Sherloc (09022015). Collection method: clinical testing. Allele origin: germline.

GeneDx
Classification: Uncertain significance. Last evaluated: 2019-08-01. Review status: criteria provided, single submitter. Criteria: GeneDx Variant Classification Process June 2021. Collection method: clinical testing. Allele origin: germline. Affected: yes.
Comment: Has not been previously published as pathogenic or benign to our knowledge; Reported in ClinVar as a variant of uncertain significance but additional evidence is not available (ClinVar Variant ID# 577662; Landrum et al., 2016); In silico analysis, which includes protein predictors and evolutionary conservation, supports that this variant does not alter protein structure/function

NM_181703.4(GJA5):c.973A>C (p.Asn325His)

Gene: GJA5 (gap junction protein alpha 5; minus strand). Cytogenetic location: 1q21.2.
Variant type: single nucleotide variant.
Coding change: c.973A>C on transcript NM_181703.4 (MANE Select); coding-DNA position 973, A replaced by C.
Protein change: p.Asn325His; replaces asparagine 325 with histidine.
Molecular consequence: missense variant.
Genome position (GRCh38, 1-based): chr1:147,758,266, T>G on the plus strand (A>C on the coding strand, the complement: GJA5 is on the minus strand). VCF-style: chr1-147758266-T-G. GRCh37 (hg19) VCF-style: chr1-147230374-T-G.
Other names: c.973A>C (NM_005266.5); c.973A>C, p.Asn325His (NM_005266.7); short protein forms N325H.
Identifiers: ClinVar variation 577662 (VCV000577662.11), dbSNP rs782592443, ClinGen allele CA1065668.
Genomic context (GRCh38, chr1:147,758,266, plus strand): 5'-TAAGACGTCGCTTGTCACTATGATAGCCATGGGGAAGGCGGTGACCTGGTGAGACTCCAT[T>G]GGGCACCTCAGGCTTCTGGCCATAACGAACCTGGATGAAACCTTCCCCAGGAGTCTGCTC-3'
Protein context (NP_859054.1, residues 315-335): VRYGQKPEVP[Asn325His]GVSPGHRLPH